The following is an entry in ClinVar:

ClinVar aggregate classification (germline): Conflicting classifications of pathogenicity. Review status: criteria provided, conflicting classifications (1 of 4 stars). 7 submissions from 7 submitters: Uncertain significance (1); Likely benign (5). 1 of the submissions does not count toward it. Last evaluated 2026-01-19.

Conditions:
B3GALT6-related disorder. Also called: B3GALT6-related condition.
Ehlers-Danlos syndrome, spondylodysplastic type, 2 (EDSSPD2). Also called: Ehlers-Danlos syndrome, progeroid type, 2. Identifiers: Orphanet 536467, Orphanet 75496, MedGen C3809210, MONDO:0014139, OMIM 615349.
Spondyloepimetaphyseal dysplasia with joint laxity (SEMDJL). Identifiers: MedGen C0432243, MONDO:0019675.

Allele frequency attached by ClinVar (database versions not stated): TOPMed 0.00006; gnomAD 0.00007 and 0.00011; gnomAD exomes 0.00009 and 0.00011; ExAC 0.00022; ESP Exome Variant Server 0.00025.

Submissions (7):

Women's Health and Genetics/Laboratory Corporation of America, LabCorp
Classification: Likely benign. Last evaluated: 2026-01-19. Review status: criteria provided, single submitter. Criteria: LabCorp Variant Classification Summary - May 2015. Collection method: clinical testing. Allele origin: germline.

Labcorp Genetics (formerly Invitae), Labcorp
Classification: Likely benign for Ehlers-Danlos syndrome, spondylodysplastic type, 2; Spondyloepimetaphyseal dysplasia with joint laxity. Last evaluated: 2025-12-22. Review status: criteria provided, single submitter. Criteria: Invitae Variant Classification Sherloc (09022015). Collection method: clinical testing. Allele origin: germline.

Blueprint Genetics
Classification: Likely benign. Last evaluated: 2024-09-02. Review status: criteria provided, single submitter. Criteria: ACMG Guidelines, 2015. Collection method: clinical testing. Allele origin: germline.

CeGaT Center for Human Genetics Tuebingen
Classification: Likely benign. Last evaluated: 2024-09-01. Review status: criteria provided, single submitter. Criteria: CeGaT Center For Human Genetics Tuebingen Variant Classification Criteria Version 2. Collection method: clinical testing. Allele origin: germline. Affected: yes. Observed: 2 variant alleles.
Comment: B3GALT6: BP4, BP7

GeneDx
Classification: Likely benign. Last evaluated: 2019-08-27. Review status: criteria provided, single submitter. Criteria: GeneDx Variant Classification Process June 2021. Collection method: clinical testing. Allele origin: germline. Affected: yes.

Eurofins Ntd Llc (ga)
Classification: Uncertain significance. Last evaluated: 2015-10-04. Review status: criteria provided, single submitter. Criteria: EGL Classification Definitions 2015. Collection method: clinical testing. Allele origin: germline. Observed: 1 variant allele, 1 heterozygote.

PreventionGenetics, part of Exact Sciences
Classification: Likely benign for B3GALT6-related condition. Last evaluated: 2022-09-20. Review status: no assertion criteria provided. Collection method: clinical testing. Allele origin: germline. Not counted in ClinVar's aggregate classification.
Comment: This variant is classified as likely benign based on ACMG/AMP sequence variant interpretation guidelines (Richards et al. 2015 PMID: 25741868, with internal and published modifications).

NM_080605.4(B3GALT6):c.753G>A (p.Pro251=)

Gene: B3GALT6 (beta-1,3-galactosyltransferase 6; plus strand). Cytogenetic location: 1p36.33.
Variant type: single nucleotide variant.
Coding change: c.753G>A on transcript NM_080605.4 (MANE Select); coding-DNA position 753, G replaced by A.
Protein change: p.Pro251=; no amino-acid change (proline 251 retained).
Molecular consequence: synonymous variant.
Genome position (GRCh38, 1-based): chr1:1,233,031, G>A. VCF-style: chr1-1233031-G-A. GRCh37 (hg19) VCF-style: chr1-1168411-G-A.
Identifiers: ClinVar variation 283369 (VCV000283369.53), dbSNP rs370328225, ClinGen allele CA513440.